The following is an entry in ClinVar:

ClinVar aggregate classification (germline): Pathogenic (1 of 4 stars; one submission).

Submission:

Labcorp Genetics (formerly Invitae), Labcorp
Classification: Pathogenic. Last evaluated: 2025-04-22. Review status: criteria provided, single submitter. Criteria: Invitae Variant Classification Sherloc (09022015). Collection method: clinical testing. Allele origin: germline.
Comment: This sequence change creates a premature translational stop signal (p.Asn2313Lysfs*5) in the ASPM gene. It is expected to result in an absent or disrupted protein product. Loss-of-function variants in ASPM are known to be pathogenic (PMID: 19028728, 23611254). This variant is not present in population databases (gnomAD no frequency). This variant has not been reported in the literature in individuals affected with ASPM-related conditions. For these reasons, this variant has been classified as Pathogenic.

Literature cited by the submitters: PubMed 19028728; PubMed 23611254.

NM_018136.5(ASPM):c.6938dup (p.Asn2313fs)

Gene: ASPM (assembly factor for spindle microtubules; minus strand). Cytogenetic location: 1q31.3.
Variant type: Duplication.
Coding change: c.6938dup on transcript NM_018136.5 (MANE Select); coding-DNA position 6938, one base duplicated (A; older notation c.6938dupA).
Protein change: p.Asn2313fs; shifts the reading frame from asparagine 2313.
Molecular consequence: frameshift variant. On other transcripts: intron variant (1).
Genome position (GRCh38, 1-based): chr1:197,102,313, T duplicated on the plus strand (A on the coding strand, the reverse complement: ASPM is on the minus strand); the first of 4 consecutive T bases (chr1:197,102,313-197,102,316); duplicating any one gives the same sequence. VCF-style (leftmost placement, unchanged base first): chr1-197102312-A-AT. GRCh37 (hg19) VCF-style: chr1-197071442-A-AT.
Other names: c.4066-6149dup (NM_001206846.2); short protein forms N2313fs.
Identifiers: ClinVar variation 4718124 (VCV004718124.1).